The following is an entry in ClinVar:

ClinVar aggregate classification (germline): Conflicting classifications of pathogenicity. Review status: criteria provided, conflicting classifications (1 of 4 stars). 8 submissions from 8 submitters: Uncertain significance (7); Likely benign (1). Last evaluated 2026-01-02.

Conditions:
TNFRSF13B-related disorder. Also called: TNFRSF13B-related condition.
Immunodeficiency, common variable, 2 (CVID2). Also called: ANTIBODY DEFICIENCY DUE TO TACI DEFECT; HYPOGAMMAGLOBULINEMIA DUE TO TACI DEFICIENCY. Identifiers: Orphanet 1572, MedGen C3150354, MONDO:0009413, OMIM 240500.

Allele frequency attached by ClinVar (database versions not stated): gnomAD 0.00018 and 0.00019; TOPMed 0.00020; ESP Exome Variant Server 0.00023; gnomAD exomes 0.00024 and 0.00025; ExAC 0.00032.
gnomAD v4.1: 378 of 1,614,172 alleles (0.023%); highest among the groups gnomAD compares: Middle Eastern, 0.12%; 2 homozygotes.

Submissions (8):

Labcorp Genetics (formerly Invitae), Labcorp
Classification: Likely benign for Immunodeficiency, common variable, 2. Last evaluated: 2026-01-02. Review status: criteria provided, single submitter. Criteria: Invitae Variant Classification Sherloc (09022015). Collection method: clinical testing. Allele origin: germline.

Blueprint Genetics
Classification: Uncertain significance. Last evaluated: 2024-10-14. Review status: criteria provided, single submitter. Criteria: ACMG Guidelines, 2015. Collection method: clinical testing. Allele origin: germline.

GeneDx
Classification: Uncertain significance. Last evaluated: 2024-01-09. Review status: criteria provided, single submitter. Criteria: GeneDx Variant Classification Process June 2021. Collection method: clinical testing. Allele origin: germline. Affected: yes.
Comment: In silico analysis supports that this missense variant does not alter protein structure/function; This variant is associated with the following publications: (PMID: 26096648, 29077208, 22076597, 35655776)

ARUP Laboratories, Molecular Genetics and Genomics, ARUP Laboratories
Classification: Uncertain significance. Last evaluated: 2023-01-04. Review status: criteria provided, single submitter. Criteria: ARUP Molecular Germline Variant Investigation Process 2024. Collection method: clinical testing. Allele origin: germline.
Comment: The TNFRSF13B c.171G>C; p.Gln57His variant (rs149084717) is reported in the literature in individuals affected with immunodeficiency, but is also present in a healthy relative and in an individual with a pathogenic variant in a different immune-related gene (Almejun 2012, Rae 2018). This variant is also reported in ClinVar (Variation ID: 849649), and is found in the general population with an overall allele frequency of 0.024% (68/282790 alleles, including a single homozygote) in the Genome Aggregation Database. The glutamine at codon 57 is moderately conserved, and computational analyses are uncertain whether this variant is neutral or deleterious (REVEL: 0.221). Given the lack of clinical and functional data, the significance of this variant is uncertain at this time. References: Almejun MB et al. Immunological characteristics and two novel mutations in TACI in a cohort of 28 pediatric patients with common variable immunodeficiency. J Clin Immunol. 2012 Feb;32(1):89-97. PMID: 22076597. Rae W et al. Clinical efficacy of a next-generation sequencing gene panel for primary immunodeficiency diagnostics. Clin Genet. 2018 Mar;93(3):647-655. PMID: 29077208.

PreventionGenetics, part of Exact Sciences
Classification: Uncertain significance for TNFRSF13B-related condition. Last evaluated: 2022-10-25. Review status: criteria provided, single submitter. Criteria: ACMG Guidelines, 2015. Collection method: clinical testing. Allele origin: germline.
Comment: The TNFRSF13B c.171G>C variant is predicted to result in the amino acid substitution p.Gln57His. This variant was reported in the heterozygous state in an individual with common variable immunodeficiency, however this variant was inherited from an unaffected mother (Patient 5, Almejun et al. 2012. PubMed ID: 22076597). This variant was also reported in the heterozygous state, along with a STAT1 variant, in an individual with primary immunodeficiency (Patient 26, Rae et al. 2018. PubMed ID: 29077208). This variant is reported in 0.072% of alleles in individuals of South Asian descent in gnomAD. At this time, the clinical significance of this variant is uncertain due to the absence of conclusive functional and genetic evidence.

CeGaT Center for Human Genetics Tuebingen
Classification: Uncertain significance. Last evaluated: 2021-06-01. Review status: criteria provided, single submitter. Criteria: CeGaT Center For Human Genetics Tuebingen Variant Classification Criteria Version 2. Collection method: clinical testing. Allele origin: germline. Affected: yes. Observed: 1 variant allele.

Baylor Genetics
Classification: Uncertain significance for Immunodeficiency, common variable, 2. Last evaluated: 2018-08-24. Review status: criteria provided, single submitter. Criteria: ACMG Guidelines, 2015. Collection method: clinical testing. Allele origin: paternal. Affected: yes.
Comment: This variant was determined to be of uncertain significance according to ACMG Guidelines, 2015 [PMID:25741868].

Breakthrough Genomics
Classification: Uncertain significance. Review status: criteria provided, single submitter. Criteria: ACMG Guidelines, 2015. Collection method: not provided. Allele origin: germline. Inheritance: Autosomal recessive inheritance. Affected: yes.

NM_012452.3(TNFRSF13B):c.171G>C (p.Gln57His)

Gene: TNFRSF13B (TNF receptor superfamily member 13B; minus strand). Cytogenetic location: 17p11.2.
Variant type: single nucleotide variant.
Coding change: c.171G>C on transcript NM_012452.3 (MANE Select); coding-DNA position 171, G replaced by C.
Protein change: p.Gln57His; replaces glutamine 57 with histidine.
Molecular consequence: missense variant.
Genome position (GRCh38, 1-based): chr17:16,952,474, C>G on the plus strand (G>C on the coding strand, the complement: TNFRSF13B is on the minus strand). VCF-style: chr17-16952474-C-G. GRCh37 (hg19) VCF-style: chr17-16855788-C-G.
Other names: short protein forms Q57H.
Identifiers: ClinVar variation 849649 (VCV000849649.46), dbSNP rs149084717, ClinGen allele CA8414097.